The following is an entry in ClinVar:

ClinVar aggregate classification (germline): Likely benign (1 of 4 stars; one submission).

Submission:

CeGaT Center for Human Genetics Tuebingen
Classification: Likely benign. Last evaluated: 2026-05-01. Review status: criteria provided, single submitter. Criteria: CeGaT Center For Human Genetics Tuebingen Variant Classification Criteria Version 2. Collection method: clinical testing. Allele origin: germline. Affected: yes. Observed: 1 variant allele.
Comment: NONO: PM2:Supporting, BP4, BP7

NM_007363.5(NONO):c.513T>C (p.Phe171=)

Gene: NONO (non-POU domain containing octamer binding; plus strand). Cytogenetic location: Xq13.1.
Variant type: single nucleotide variant.
Coding change: c.513T>C on transcript NM_007363.5 (MANE Select); coding-DNA position 513, T replaced by C.
Protein change: p.Phe171=; no amino-acid change (phenylalanine 171 retained).
Molecular consequence: synonymous variant.
Genome position (GRCh38, 1-based): chrX:71,294,391, T>C. VCF-style: chrX-71294391-T-C. GRCh37 (hg19) VCF-style: chrX-70514241-T-C.
Other names: c.513T>C, p.Phe171= (NM_001145408.2, NM_001145409.2); c.246T>C, p.Phe82= (NM_001145410.2).
Identifiers: ClinVar variation 4872330 (VCV004872330.2).